The following is an entry in ClinVar:

NM_003384.3(VRK1):c.897del (p.Ile299fs)

Gene: VRK1 (VRK serine/threonine kinase 1; plus strand). Cytogenetic location: 14q32.2.
Variant type: Deletion.
Coding change: c.897del on transcript NM_003384.3 (MANE Select); coding-DNA position 897, one base deleted (T; older notation c.897delT).
Protein change: p.Ile299fs; shifts the reading frame from isoleucine 299.
Molecular consequence: frameshift variant.
Genome position (GRCh38, 1-based): chr14:96,860,564, T deleted; the last of 2 consecutive T bases (chr14:96,860,563-96,860,564); deleting either gives the same sequence. VCF-style (leftmost placement, unchanged base first): chr14-96860562-AT-A. GRCh37 (hg19) VCF-style: chr14-97326899-AT-A.
Other names: short protein forms I299fs.
Identifiers: ClinVar variation 1403721 (VCV001403721.7), dbSNP rs2139814687, ClinGen allele CA2573150445.

ClinVar aggregate classification (germline): Pathogenic (1 of 4 stars; one submission).

Conditions:
Pontocerebellar hypoplasia type 1A (PCH1A). Also called: PONTOCEREBELLAR HYPOPLASIA WITH ANTERIOR HORN CELL DISEASE; PONTOCEREBELLAR HYPOPLASIA WITH INFANTILE SPINAL MUSCULAR ATROPHY. Identifiers: Orphanet 2254, Orphanet 88616, MedGen C1843504, MONDO:0011866, OMIM 607596.

Submission:

Labcorp Genetics (formerly Invitae), Labcorp
Classification: Pathogenic for Pontocerebellar hypoplasia type 1A. Last evaluated: 2022-01-11. Review status: criteria provided, single submitter. Criteria: Invitae Variant Classification Sherloc (09022015). Collection method: clinical testing. Allele origin: germline.
Comment: For these reasons, this variant has been classified as Pathogenic. This variant has not been reported in the literature in individuals affected with VRK1-related conditions. This variant is not present in population databases (gnomAD no frequency). This sequence change creates a premature translational stop signal (p.Ile299Metfs*8) in the VRK1 gene. It is expected to result in an absent or disrupted protein product. Loss-of-function variants in VRK1 are known to be pathogenic (PMID: 19646678, 24126608, 27281532).

Literature cited by the submitters: PubMed 19646678; PubMed 24126608; PubMed 27281532.